The following is an entry in ClinVar:

NM_000384.3(APOB):c.2563G>T (p.Ala855Ser)

Gene: APOB (apolipoprotein B; minus strand). Cytogenetic location: 2p24.1.
Variant type: single nucleotide variant.
Coding change: c.2563G>T on transcript NM_000384.3 (MANE Select); coding-DNA position 2563, G replaced by T.
Protein change: p.Ala855Ser; replaces alanine 855 with serine.
Molecular consequence: missense variant.
Genome position (GRCh38, 1-based): chr2:21,023,566, C>A on the plus strand (G>T on the coding strand, the complement: APOB is on the minus strand). VCF-style: chr2-21023566-C-A. GRCh37 (hg19) VCF-style: chr2-21246438-C-A.
Other names: short protein forms A855S.
Identifiers: ClinVar variation 3308268 (VCV003308268.2).

ClinVar aggregate classification (germline): Uncertain significance (1 of 4 stars; one submission).

Conditions:
Cardiovascular phenotype. Identifiers: MedGen CN230736.

gnomAD v4.1: 1 of 1,614,214 alleles (0.000062%); highest among the groups gnomAD compares: Non-Finnish European, 0.000085%; no homozygotes.

Submission:

Ambry Genetics
Classification: Uncertain significance for Cardiovascular phenotype. Last evaluated: 2026-09-11. Review status: criteria provided, single submitter. Criteria: Ambry Variant Classification Scheme 2023. Collection method: clinical testing. Allele origin: germline.
Comment: The p.A855S variant (also known as c.2563G>T), located in coding exon 17 of the APOB gene, results from a G to T substitution at nucleotide position 2563. The alanine at codon 855 is replaced by serine, an amino acid with similar properties. This amino acid position is conserved. In addition, this alteration is predicted to be tolerated by in silico analysis. Based on the available evidence, the clinical significance of this variant remains unclear.